The following is an entry in ClinVar:

ClinVar aggregate classification (germline): Uncertain significance (1 of 4 stars; one submission).

Conditions:
Congenital myasthenic syndrome 8. Also called: MYASTHENIC SYNDROME, CONGENITAL, DUE TO AGRIN DEFICIENCY; Myasthenic syndrome, congenital, 8, with pre- and postsynaptic defects. Identifiers: Orphanet 590, MedGen C3808739, MONDO:0014052, OMIM 615120.

Allele frequency attached by ClinVar (database versions not stated): gnomAD exomes below 0.00001; TOPMed below 0.00001; gnomAD 0.00001.

Submission:

Labcorp Genetics (formerly Invitae), Labcorp
Classification: Uncertain significance for Congenital myasthenic syndrome 8. Last evaluated: 2023-06-04. Review status: criteria provided, single submitter. Criteria: Invitae Variant Classification Sherloc (09022015). Collection method: clinical testing. Allele origin: germline.
Comment: In summary, the available evidence is currently insufficient to determine the role of this variant in disease. Therefore, it has been classified as a Variant of Uncertain Significance. An algorithm developed to predict the effect of missense changes on protein structure and function (PolyPhen-2) suggests that this variant is likely to be disruptive. ClinVar contains an entry for this variant (Variation ID: 2114184). This variant has not been reported in the literature in individuals affected with AGRN-related conditions. This variant is not present in population databases (gnomAD no frequency). This sequence change replaces cysteine, which is neutral and slightly polar, with tyrosine, which is neutral and polar, at codon 513 of the AGRN protein (p.Cys513Tyr).

NM_198576.4(AGRN):c.1538G>A (p.Cys513Tyr)

Gene: AGRN (agrin; plus strand). Cytogenetic location: 1p36.33.
Variant type: single nucleotide variant.
Coding change: c.1538G>A on transcript NM_198576.4 (MANE Select); coding-DNA position 1538, G replaced by A.
Protein change: p.Cys513Tyr; replaces cysteine 513 with tyrosine.
Molecular consequence: missense variant.
Genome position (GRCh38, 1-based): chr1:1,043,392, G>A. VCF-style: chr1-1043392-G-A. GRCh37 (hg19) VCF-style: chr1-978772-G-A.
Other names: c.1538G>A, p.Cys513Tyr (NM_001305275.2); c.1223G>A, p.Cys408Tyr (NM_001364727.2); short protein forms C408Y, C513Y.
Identifiers: ClinVar variation 2114184 (VCV002114184.4), dbSNP rs1300734428, ClinGen allele CA337831477.